The following is an entry in ClinVar:

ClinVar aggregate classification (germline): Uncertain significance. Review status: criteria provided, multiple submitters, no conflicts (2 of 4 stars). 2 submissions from 2 submitters: Uncertain significance (2). Last evaluated 2025-02-21.

Conditions:
Encephalopathy, acute, infection-induced (herpes-specific), susceptibility to, 1. Also called: Herpes simplex encephalitis, susceptibility to, 1. Identifiers: Orphanet 1930, MedGen C2750180, MONDO:0024563, OMIM 610551.

Allele frequency attached by ClinVar (database versions not stated): gnomAD exomes 0.00046 and 0.00028; TOPMed 0.00041; ExAC 0.00009; gnomAD 0.00042; ESP Exome Variant Server 0.00029.

Submissions (2):

Ambry Genetics
Classification: Uncertain significance. Last evaluated: 2025-02-21. Review status: criteria provided, single submitter. Criteria: Ambry Variant Classification Scheme 2023. Collection method: clinical testing. Allele origin: germline.

Labcorp Genetics (formerly Invitae), Labcorp
Classification: Uncertain significance for Encephalopathy, acute, infection-induced (herpes-specific), susceptibility to, 1. Last evaluated: 2022-10-24. Review status: criteria provided, single submitter. Criteria: Invitae Variant Classification Sherloc (09022015). Collection method: clinical testing. Allele origin: germline.
Comment: This sequence change replaces leucine, which is neutral and non-polar, with valine, which is neutral and non-polar, at codon 65 of the UNC93B1 protein (p.Leu65Val). This variant is present in population databases (rs376191930, gnomAD 0.06%). This variant has not been reported in the literature in individuals affected with UNC93B1-related conditions. ClinVar contains an entry for this variant (Variation ID: 654962). Algorithms developed to predict the effect of missense changes on protein structure and function output the following: SIFT: "Not Available"; PolyPhen-2: "Not Available"; Align-GVGD: "Not Available". The valine amino acid residue is found in multiple mammalian species, which suggests that this missense change does not adversely affect protein function. In summary, the available evidence is currently insufficient to determine the role of this variant in disease. Therefore, it has been classified as a Variant of Uncertain Significance.

NM_030930.4(UNC93B1):c.193C>G (p.Leu65Val)

Genes: UNC93B1 (unc-93B1 regulator of TLR signaling; minus strand), LOC130006235 (ATAC-STARR-seq lymphoblastoid silent region 3653; plus strand). Cytogenetic location: 11q13.2.
Variant type: single nucleotide variant.
Coding change: c.193C>G on transcript NM_030930.4 (MANE Select); coding-DNA position 193, C replaced by G.
Protein change: p.Leu65Val; replaces leucine 65 with valine.
Molecular consequence: missense variant.
Genome position (GRCh38, 1-based): chr11:68,003,702, G>C on the plus strand (C>G on the coding strand, the complement: UNC93B1 is on the minus strand). VCF-style: chr11-68003702-G-C. GRCh37 (hg19) VCF-style: chr11-67771172-G-C.
Other names: c.193C>G (NM_030930.2); short protein forms L65V.
Identifiers: ClinVar variation 654962 (VCV000654962.8), dbSNP rs376191930, ClinGen allele CA6145714.